The following is an entry in ClinVar:

NM_001458.5(FLNC):c.1693G>A (p.Val565Met)

Gene: FLNC (filamin C; plus strand). Cytogenetic location: 7q32.1.
Variant type: single nucleotide variant.
Coding change: c.1693G>A on transcript NM_001458.5 (MANE Select); coding-DNA position 1693, G replaced by A.
Protein change: p.Val565Met; replaces valine 565 with methionine.
Molecular consequence: missense variant.
Genome position (GRCh38, 1-based): chr7:128,840,850, G>A. VCF-style: chr7-128840850-G-A. GRCh37 (hg19) VCF-style: chr7-128480904-G-A.
Other names: c.1693G>A, p.Val565Met (NM_001127487.2); short protein forms V565M.
Identifiers: ClinVar variation 1879701 (VCV001879701.35), dbSNP rs1276774889, ClinGen allele CA369226876.

ClinVar aggregate classification (germline): Uncertain significance. Review status: criteria provided, multiple submitters, no conflicts (2 of 4 stars). 3 submissions from 3 submitters: Uncertain significance (3). Last evaluated 2026-01-22.

Conditions:
Distal myopathy with posterior leg and anterior hand involvement. Also called: WILLIAMS DISTAL MYOPATHY. Identifiers: Orphanet 63273, MedGen C3279722, MONDO:0013550, OMIM 614065.
Hypertrophic cardiomyopathy 26. Also called: Cardiomyopathy, familial hypertrophic, 26. Identifiers: Orphanet 75249, MedGen C4310749, MONDO:0014883, OMIM 617047.
Myofibrillar myopathy 5. Also called: Filaminopathy (type); FILAMINOPATHY, AUTOSOMAL DOMINANT. Identifiers: Orphanet 171445, MedGen C1836050, MONDO:0012289, OMIM 609524.

Allele frequency attached by ClinVar (database versions not stated): gnomAD exomes below 0.00001.
gnomAD v4.1: 4 of 1,613,880 alleles (0.00025%); highest among the groups gnomAD compares: East Asian, 0.0067%; no homozygotes.

Submissions (3):

GeneDx
Classification: Uncertain significance. Last evaluated: 2026-01-22. Review status: criteria provided, single submitter. Criteria: GeneDx Variant Classification Process June 2021. Collection method: clinical testing. Allele origin: germline.
Comment: Not observed at significant frequency in large population cohorts (gnomAD); In silico analysis supports that this missense variant has a deleterious effect on protein structure/function; Has not been previously published as pathogenic or benign to our knowledge

Labcorp Genetics (formerly Invitae), Labcorp
Classification: Uncertain significance for Distal myopathy with posterior leg and anterior hand involvement; Myofibrillar myopathy 5; Hypertrophic cardiomyopathy 26. Last evaluated: 2025-12-03. Review status: criteria provided, single submitter. Criteria: Invitae Variant Classification Sherloc (09022015). Collection method: clinical testing. Allele origin: germline.
Comment: This sequence change replaces valine, which is neutral and non-polar, with methionine, which is neutral and non-polar, at codon 565 of the FLNC protein (p.Val565Met). This variant is present in population databases (no rsID available, gnomAD 0.006%). This variant has not been reported in the literature in individuals affected with FLNC-related conditions. ClinVar contains an entry for this variant (Variation ID: 1879701). Invitae Evidence Modeling of protein sequence and biophysical properties (such as structural, functional, and spatial information, amino acid conservation, physicochemical variation, residue mobility, and thermodynamic stability) has been performed for this missense variant. However, the output from this modeling did not meet the statistical confidence thresholds required to predict the impact of this variant on FLNC protein function. In summary, the available evidence is currently insufficient to determine the role of this variant in disease. Therefore, it has been classified as a Variant of Uncertain Significance.

CeGaT Center for Human Genetics Tuebingen
Classification: Uncertain significance. Last evaluated: 2022-11-01. Review status: criteria provided, single submitter. Criteria: CeGaT Center For Human Genetics Tuebingen Variant Classification Criteria Version 2. Collection method: clinical testing. Allele origin: germline. Affected: yes. Observed: 1 variant allele.
Comment: FLNC: PM2, BP5